The following is an entry in ClinVar:

NM_001370259.2(MEN1):c.1376G>C (p.Ser459Thr)

Gene: MEN1 (menin 1; minus strand). Cytogenetic location: 11q13.1.
Variant type: single nucleotide variant.
Coding change: c.1376G>C on transcript NM_001370259.2 (MANE Select); coding-DNA position 1376, G replaced by C.
Protein change: p.Ser459Thr; replaces serine 459 with threonine.
Molecular consequence: missense variant. On other transcripts: non-coding transcript variant (4).
Genome position (GRCh38, 1-based): chr11:64,804,791, C>G on the plus strand (G>C on the coding strand, the complement: MEN1 is on the minus strand). VCF-style: chr11-64804791-C-G. GRCh37 (hg19) VCF-style: chr11-64572263-C-G.
Other names: c.1391G>C, p.Ser464Thr (NM_130800.3, NM_130801.3, NM_130802.3 and 4 more transcripts); c.1502G>C, p.Ser501Thr (NM_001370251.2, NM_001407142.1, NM_001407143.1 and 1 more transcripts); c.1376G>C, p.Ser459Thr (NM_001370260.2, NM_001370261.2, NM_001407146.1 and 2 more transcripts); c.1271G>C, p.Ser424Thr (NM_001370262.2, NM_001370263.2, NM_001407148.1 and 1 more transcripts); c.1517G>C, p.Ser506Thr (NM_001407150.1); c.1397G>C, p.Ser466Thr (NM_001407151.1); c.1211G>C, p.Ser404Thr (NM_001407152.1); short protein forms S424T, S501T, S404T, S466T, S506T, S459T, S464T.
Identifiers: ClinVar variation 5024288 (VCV005024288.1).
Genomic context (GRCh38, chr11:64,804,791, plus strand): 5'-CGGCCTTCCCGGGCTTCCTCGCCCCACGGCTCCTCGGCCTCGGCCGCCTCGGCCTCTCGG[C>G]TCACTATGCGCACCTTCTGCCGCACCTGGGCCAGTGGGGAGAGCAAGGTGAGAGCAAGGT-3'
Protein context (NP_001357188.2, residues 449-469): GQVRQKVRIV[Ser459Thr]REAEAAEAEE

ClinVar aggregate classification (germline): Uncertain significance (1 of 4 stars; one submission).

Conditions:
Hereditary cancer-predisposing syndrome. Also called: Neoplastic Syndromes, Hereditary; Tumor predisposition; Hereditary neoplastic syndrome; Hereditary Cancer Syndrome. Identifiers: Orphanet 140162, MedGen C0027672, MeSH D009386, MONDO:0015356.

Submission:

Ambry Genetics
Classification: Uncertain significance for Hereditary cancer-predisposing syndrome. Last evaluated: 2026-07-07. Review status: criteria provided, single submitter. Criteria: Ambry Variant Classification Scheme 2023. Collection method: clinical testing. Allele origin: germline.
Comment: The p.S459T variant (also known as c.1376G>C), located in coding exon 9 of the MEN1 gene, results from a G to C substitution at nucleotide position 1376. The serine at codon 459 is replaced by threonine, an amino acid with similar properties. This amino acid position is conserved. In addition, the in silico prediction for this alteration is inconclusive. Based on the available evidence, the clinical significance of this variant remains unclear.